The following is an entry in ClinVar:

ClinVar aggregate classification (germline): Uncertain significance (1 of 4 stars; one submission).

Conditions:
Charcot-Marie-Tooth disease type 2. Also called: Charcot-Marie-Tooth type 2. Identifiers: Orphanet 64746, MedGen C0270914, MONDO:0018993.

Allele frequency attached by ClinVar (database versions not stated): gnomAD exomes below 0.00001.
gnomAD v4.1: 1 of 1,613,584 alleles (0.000062%); highest among the groups gnomAD compares: Non-Finnish European, 0.000085%; no homozygotes.

Submission:

Labcorp Genetics (formerly Invitae), Labcorp
Classification: Uncertain significance for Charcot-Marie-Tooth disease type 2. Last evaluated: 2023-07-07. Review status: criteria provided, single submitter. Criteria: Invitae Variant Classification Sherloc (09022015). Collection method: clinical testing. Allele origin: germline.
Comment: This variant is not present in population databases (gnomAD no frequency). This sequence change replaces methionine, which is neutral and non-polar, with valine, which is neutral and non-polar, at codon 567 of the MFN2 protein (p.Met567Val). This variant has not been reported in the literature in individuals affected with MFN2-related conditions. Advanced modeling of protein sequence and biophysical properties (such as structural, functional, and spatial information, amino acid conservation, physicochemical variation, residue mobility, and thermodynamic stability) has been performed at Invitae for this missense variant, however the output from this modeling did not meet the statistical confidence thresholds required to predict the impact of this variant on MFN2 protein function. In summary, the available evidence is currently insufficient to determine the role of this variant in disease. Therefore, it has been classified as a Variant of Uncertain Significance.

NM_014874.4(MFN2):c.1699A>G (p.Met567Val)

Genes: MFN2 (mitofusin 2; plus strand), LOC129929426 (ATAC-STARR-seq lymphoblastoid active region 185; plus strand). Cytogenetic location: 1p36.22.
Variant type: single nucleotide variant.
Coding change: c.1699A>G on transcript NM_014874.4 (MANE Select); coding-DNA position 1699, A replaced by G.
Protein change: p.Met567Val; replaces methionine 567 with valine.
Molecular consequence: missense variant.
Genome position (GRCh38, 1-based): chr1:12,005,914, A>G. VCF-style: chr1-12005914-A-G. GRCh37 (hg19) VCF-style: chr1-12065971-A-G.
Other names: c.1699A>G, p.Met567Val (NM_001127660.2); short protein forms M567V.
Identifiers: ClinVar variation 2848791 (VCV002848791.3), dbSNP rs1553145172, ClinGen allele CA324582.